The following is an entry in ClinVar:

ClinVar aggregate classification (germline): Pathogenic (1 of 4 stars; one submission).

Submission:

Labcorp Genetics (formerly Invitae), Labcorp
Classification: Pathogenic. Last evaluated: 2023-03-24. Review status: criteria provided, single submitter. Criteria: Invitae Variant Classification Sherloc (09022015). Collection method: clinical testing. Allele origin: germline.
Comment: For these reasons, this variant has been classified as Pathogenic. This variant has not been reported in the literature in individuals affected with CSF1R-related conditions. This variant is not present in population databases (gnomAD no frequency). This sequence change creates a premature translational stop signal (p.Lys706Argfs*21) in the CSF1R gene. It is expected to result in an absent or disrupted protein product. Loss-of-function variants in CSF1R are known to be pathogenic (PMID: 22046273, 24120500, 24145216, 24336230, 30982608, 30982609).

Literature cited by the submitters: PubMed 22046273; PubMed 24120500; PubMed 24145216; PubMed 24336230; PubMed 30982608; PubMed 30982609.

NM_001288705.3(CSF1R):c.2117del (p.Lys706fs)

Gene: CSF1R (colony stimulating factor 1 receptor; minus strand). Cytogenetic location: 5q32.
Variant type: Deletion.
Coding change: c.2117del on transcript NM_001288705.3 (MANE Select); coding-DNA position 2117, one base deleted (A; older notation c.2117delA).
Protein change: p.Lys706fs; shifts the reading frame from lysine 706.
Molecular consequence: frameshift variant.
Genome position (GRCh38, 1-based): chr5:150,059,715, T deleted on the plus strand (A on the coding strand, the reverse complement: CSF1R is on the minus strand); the first of 2 consecutive T bases (chr5:150,059,715-150,059,716); deleting either gives the same sequence. VCF-style (leftmost placement, unchanged base first): chr5-150059714-CT-C. GRCh37 (hg19) VCF-style: chr5-149439277-CT-C.
Other names: c.2117del, p.Lys706fs (NM_001349736.2, NM_001375320.1, NM_005211.4); c.1673del, p.Lys558fs (NM_001375321.1); short protein forms K706fs, K558fs.
Identifiers: ClinVar variation 3006756 (VCV003006756.3), dbSNP rs2480966732, ClinGen allele CA2740094140.